The following is an entry in ClinVar:

NM_001371904.1(APOA5):c.162-5T>A

Genes: APOA5 (apolipoprotein A5; minus strand), LOC108491825 (enhancer-blocking element 11-1-2 overlapping APOA5; plus strand). Cytogenetic location: 11q23.3.
Variant type: single nucleotide variant.
Coding change: c.162-5T>A on transcript NM_001371904.1 (MANE Select); 5 bases into the intron before coding-DNA position 162, T replaced by A.
Molecular consequence: intron variant.
Genome position (GRCh38, 1-based): chr11:116,791,072, A>T on the plus strand (T>A on the coding strand, the complement: APOA5 is on the minus strand). VCF-style: chr11-116791072-A-T. GRCh37 (hg19) VCF-style: chr11-116661788-A-T.
Other names: c.162-5T>A (NM_001166598.2, NM_052968.5).
Identifiers: ClinVar variation 2023733 (VCV002023733.4), dbSNP rs2540245087, ClinGen allele CA2580083557.

ClinVar aggregate classification (germline): Uncertain significance (1 of 4 stars; one submission).

Allele frequency attached by ClinVar (database versions not stated): gnomAD exomes below 0.00001.
gnomAD v4.1: 1 of 1,604,846 alleles (0.000062%); highest among the groups gnomAD compares: Non-Finnish European, 0.000085%; no homozygotes.

Submission:

Labcorp Genetics (formerly Invitae), Labcorp
Classification: Uncertain significance. Last evaluated: 2022-11-08. Review status: criteria provided, single submitter. Criteria: Invitae Variant Classification Sherloc (09022015). Collection method: clinical testing. Allele origin: germline.
Comment: This variant is not present in population databases (gnomAD no frequency). This variant has not been reported in the literature in individuals affected with APOA5-related conditions. Algorithms developed to predict the effect of sequence changes on RNA splicing suggest that this variant may create or strengthen a splice site. In summary, the available evidence is currently insufficient to determine the role of this variant in disease. Therefore, it has been classified as a Variant of Uncertain Significance. This sequence change falls in intron 3 of the APOA5 gene. It does not directly change the encoded amino acid sequence of the APOA5 protein.